The following is an entry in ClinVar:

NM_015214.3(DDHD2):c.1345G>T (p.Gly449Cys)

Gene: DDHD2 (DDHD domain containing 2; plus strand). Cytogenetic location: 8p11.23.
Variant type: single nucleotide variant.
Coding change: c.1345G>T on transcript NM_015214.3 (MANE Select); coding-DNA position 1345, G replaced by T.
Protein change: p.Gly449Cys; replaces glycine 449 with cysteine.
Molecular consequence: missense variant. On other transcripts: non-coding transcript variant (2).
Genome position (GRCh38, 1-based): chr8:38,251,912, G>T. VCF-style: chr8-38251912-G-T. GRCh37 (hg19) VCF-style: chr8-38109430-G-T.
Other names: c.1345G>T, p.Gly449Cys (NM_001164232.2, NM_001362911.2, NM_001362912.2 and 1 more transcripts); c.1255G>T, p.Gly419Cys (NM_001362913.2); short protein forms G449C, G419C.
Identifiers: ClinVar variation 810277 (VCV000810277.53), dbSNP rs199730711, ClinGen allele CA4716242.

ClinVar aggregate classification (germline): Uncertain significance. Review status: criteria provided, multiple submitters, no conflicts (2 of 4 stars). 5 submissions from 5 submitters: Uncertain significance (5). Last evaluated 2025-10-25.

Conditions:
Inborn genetic diseases. Identifiers: MedGen C0950123, MeSH D030342.
Hereditary spastic paraplegia 54. Also called: Spastic paraplegia 54, autosomal recessive. Identifiers: Orphanet 320380, MedGen C3539495, MONDO:0014018, OMIM 615033.
Hereditary spastic paraplegia. Also called: Familial spastic paraparesis. Identifiers: Orphanet 685, MedGen C0037773, MONDO:0019064. Disease mechanism: loss of function.

Allele frequency attached by ClinVar (database versions not stated): ESP Exome Variant Server 0.00008; ExAC 0.00017; gnomAD 0.00017 and 0.00019; TOPMed 0.00017; gnomAD exomes 0.00019.
gnomAD v4.1: 284 of 1,610,132 alleles (0.018%); highest among the groups gnomAD compares: Admixed American, 0.03%; no homozygotes.

Submissions (7):

Ambry Genetics
Classification: Uncertain significance for Inborn genetic diseases. Last evaluated: 2025-10-25. Review status: criteria provided, single submitter. Criteria: Ambry Variant Classification Scheme 2023. Collection method: clinical testing. Allele origin: germline.

Labcorp Genetics (formerly Invitae), Labcorp
Classification: Uncertain significance for Hereditary spastic paraplegia 54. Last evaluated: 2022-05-04. Review status: criteria provided, single submitter. Criteria: Invitae Variant Classification Sherloc (09022015). Collection method: clinical testing. Allele origin: germline.
Comment: This sequence change replaces glycine, which is neutral and non-polar, with cysteine, which is neutral and slightly polar, at codon 449 of the DDHD2 protein (p.Gly449Cys). This variant is present in population databases (rs199730711, gnomAD 0.03%), including at least one homozygous and/or hemizygous individual. This variant has not been reported in the literature in individuals affected with DDHD2-related conditions. ClinVar contains an entry for this variant (Variation ID: 810277). Algorithms developed to predict the effect of missense changes on protein structure and function are either unavailable or do not agree on the potential impact of this missense change (SIFT: "Tolerated"; PolyPhen-2: "Possibly Damaging"; Align-GVGD: "Class C0"). Algorithms developed to predict the effect of sequence changes on RNA splicing suggest that this variant may disrupt the consensus splice site. In summary, the available evidence is currently insufficient to determine the role of this variant in disease. Therefore, it has been classified as a Variant of Uncertain Significance.

Mayo Clinic Laboratories, Mayo Clinic
Classification: Uncertain significance. Last evaluated: 2020-04-16. Review status: criteria provided, single submitter. Criteria: ACMG Guidelines, 2015. Collection method: clinical testing. Allele origin: germline. Observed: 1 variant allele.

Genome Diagnostics Laboratory, The Hospital for Sick Children
Classification: Uncertain significance for Hereditary spastic paraplegia. Last evaluated: 2018-09-01. Review status: criteria provided, single submitter. Criteria: ACMG Guidelines, 2015. Collection method: clinical testing. Allele origin: germline. Affected: yes.

CeGaT Center for Human Genetics Tuebingen
Classification: Uncertain significance. Last evaluated: 2018-05-01. Review status: criteria provided, single submitter. Criteria: CeGaT Center For Human Genetics Tuebingen Variant Classification Criteria Version 2. Collection method: clinical testing. Allele origin: germline. Affected: yes. Observed: 1 variant allele.

Dr. Peter K. Rogan Lab, Western University
No classification provided (evidence only). Condition: Clear cell carcinoma of kidney. Review status: no classification provided. Collection method: in vitro. Allele origin: not applicable. Functional consequence: skipped exon, retained intron. Not counted in ClinVar's aggregate classification.

Dr. Peter K. Rogan Lab, Western University
No classification provided (evidence only). Condition: Clear cell carcinoma of kidney. Review status: no classification provided. Collection method: in vitro. Allele origin: not applicable. Functional consequence: skipped exon, retained intron. Not counted in ClinVar's aggregate classification.